The following is an entry in ClinVar:

NM_005359.6(SMAD4):c.425-6A>G

Gene: SMAD4 (SMAD family member 4; plus strand). Cytogenetic location: 18q21.2.
Variant type: single nucleotide variant.
Coding change: c.425-6A>G on transcript NM_005359.6 (MANE Select); 6 bases into the intron before coding-DNA position 425, A replaced by G.
Molecular consequence: intron variant.
Genome position (GRCh38, 1-based): chr18:51,049,289, A>G. VCF-style: chr18-51049289-A-G. GRCh37 (hg19) VCF-style: chr18-48575659-A-G.
Identifiers: ClinVar variation 24803 (VCV000024803.10), dbSNP rs377767327, ClinGen allele CA259172.

ClinVar aggregate classification (germline): Conflicting classifications of pathogenicity. Review status: criteria provided, conflicting classifications (1 of 4 stars). 3 submissions from 3 submitters: Likely pathogenic (2); Uncertain significance (1). Last evaluated 2026-04-23.

Conditions:
Hereditary cancer-predisposing syndrome. Also called: Hereditary neoplastic syndrome; Neoplastic Syndromes, Hereditary; Hereditary Cancer Syndrome; Tumor predisposition. Identifiers: Orphanet 140162, MedGen C0027672, MeSH D009386, MONDO:0015356.
Familial thoracic aortic aneurysm and aortic dissection (TAAD). Also called: Thoracic aortic aneurysms and dissections. Identifiers: Orphanet 91387, MedGen C4707243, MONDO:0019625.
Juvenile polyposis syndrome (JPS). Identifiers: Orphanet 2929, MedGen C0345893, MONDO:0017380, OMIM 174900.

Submissions (3):

Ambry Genetics
Classification: Likely pathogenic for Hereditary cancer-predisposing syndrome; Familial thoracic aortic aneurysm and aortic dissection. Last evaluated: 2026-04-23. Review status: criteria provided, single submitter. Criteria: Ambry Variant Classification Scheme 2023. Collection method: clinical testing. Allele origin: germline.
Comment: The c.425-6A>G intronic variant results from an A to G substitution 6 nucleotides upstream from coding exon 3 in the SMAD4 gene. This nucleotide position is well conserved in available vertebrate species. In silico splice site analysis predicts that this alteration will weaken the native splice acceptor site and will result in the creation or strengthening of a novel splice acceptor site; however, direct evidence is unavailable (Ambry internal data). Based on the majority of available evidence to date, this variant is likely to be pathogenic.

Labcorp Genetics (formerly Invitae), Labcorp
Classification: Likely pathogenic for Juvenile polyposis syndrome. Last evaluated: 2024-03-28. Review status: criteria provided, single submitter. Criteria: Invitae Variant Classification Sherloc (09022015). Collection method: clinical testing. Allele origin: germline.
Comment: This sequence change falls in intron 3 of the SMAD4 gene. It does not directly change the encoded amino acid sequence of the SMAD4 protein. This variant is not present in population databases (gnomAD no frequency). This variant has been observed in individuals with clinical features of juvenile polyposis syndrome (PMID: 17873119; Invitae). It has also been observed to segregate with disease in related individuals. ClinVar contains an entry for this variant (Variation ID: 24803). Algorithms developed to predict the effect of sequence changes on RNA splicing suggest that this variant may disrupt the consensus splice site. In summary, the currently available evidence indicates that the variant is pathogenic, but additional data are needed to prove that conclusively. Therefore, this variant has been classified as Likely Pathogenic.

GeneDx
Classification: Uncertain significance. Last evaluated: 2017-12-04. Review status: criteria provided, single submitter. Criteria: GeneDx Variant Classification (06012015). Collection method: clinical testing. Allele origin: germline. Affected: yes.
Comment: This variant is denoted SMAD4 c.425-6A>G or IVS3-6A>G and consists of a A>G nucleotide substitution at the -6 position of intron 3 of the SMAD4 gene. This variant has been observed in at least one individual with a clinical diagnosis of juvenile polyposis syndrome (Aretz 2007). SMAD4 c.425-6A>G was not observed in approximately 6,500 individuals of European and African American ancestry in the NHLBI Exome Sequencing Project, suggesting it is not a common benign variant in these populations. The adenine (A) nucleotide that is altered is not conserved across species. Multiple in silico models predict this variant may cause the gain of a cryptic splice acceptor site and to possibly cause abnormal gene splicing; however, in the absence of RNA or functional studies, the actual effect of this variant is unknown. Therefore, based on currently available information, it is unclear whether SMAD4 c.425-6A>G is pathogenic or benign. We consider it to be a variant of uncertain significance.

Literature cited by the submitters: PubMed 17873119 (cited by Ambry Genetics and Labcorp Genetics (formerly Invitae), Labcorp).